The following is an entry in ClinVar:

NM_003238.6(TGFB2):c.1087-1G>C

Gene: TGFB2 (transforming growth factor beta 2; plus strand). Cytogenetic location: 1q41.
Variant type: single nucleotide variant.
Coding change: c.1087-1G>C on transcript NM_003238.6 (MANE Select); the canonical splice acceptor site of the intron before coding-DNA position 1087, G replaced by C.
Molecular consequence: splice acceptor variant.
Genome position (GRCh38, 1-based): chr1:218,441,203, G>C. VCF-style: chr1-218441203-G-C. GRCh37 (hg19) VCF-style: chr1-218614545-G-C.
Other names: c.1171-1G>C (NM_001135599.4).
Identifiers: ClinVar variation 4714808 (VCV004714808.1).

ClinVar aggregate classification (germline): Uncertain significance (1 of 4 stars; one submission).

Conditions:
Loeys-Dietz syndrome 4 (LDS4). Also called: ANEURYSM, AORTIC AND CEREBRAL, WITH ARTERIAL TORTUOSITY AND SKELETAL MANIFESTATIONS; TGFB2-Related Loeys-Dietz Syndrome. Identifiers: MedGen C3553762, MONDO:0013897, OMIM 614816.

Submission:

Labcorp Genetics (formerly Invitae), Labcorp
Classification: Uncertain significance for Loeys-Dietz syndrome 4. Last evaluated: 2025-07-13. Review status: criteria provided, single submitter. Criteria: Invitae Variant Classification Sherloc (09022015). Collection method: clinical testing. Allele origin: germline.
Comment: This sequence change affects an acceptor splice site in intron 6 of the TGFB2 gene. While this variant is not anticipated to result in nonsense mediated decay, it likely alters RNA splicing and results in a disrupted protein product. This variant is not present in population databases (gnomAD no frequency). This variant has not been reported in the literature in individuals affected with TGFB2-related conditions. Variants that disrupt the consensus splice site are a relatively common cause of aberrant splicing (PMID: 17576681, 9536098). Algorithms developed to predict the effect of sequence changes on RNA splicing suggest that this variant may disrupt the consensus splice site. In summary, the available evidence is currently insufficient to determine the role of this variant in disease. Therefore, it has been classified as a Variant of Uncertain Significance.

Literature cited by the submitters: PubMed 17576681; PubMed 9536098.